The following is an entry in ClinVar:

NM_006096.4(NDRG1):c.63+6T>C

Gene: NDRG1 (N-myc downstream regulated 1; minus strand). Cytogenetic location: 8q24.22.
Variant type: single nucleotide variant.
Coding change: c.63+6T>C on transcript NM_006096.4 (MANE Select); 6 bases into the intron after coding-DNA position 63, T replaced by C.
Molecular consequence: intron variant.
Genome position (GRCh38, 1-based): chr8:133,284,243, A>G on the plus strand (T>C on the coding strand, the complement: NDRG1 is on the minus strand). VCF-style: chr8-133284243-A-G. GRCh37 (hg19) VCF-style: chr8-134296486-A-G.
Other names: p.?; c.-100+12891T>C (NM_001258432.2); c.-135-3976T>C (NM_001374847.1); c.-75+6T>C (NM_001258433.2); c.63+6T>C (NM_001374844.1, NM_001135242.2, NM_001374845.1 and 1 more transcripts).
Identifiers: ClinVar variation 216637 (VCV000216637.16), dbSNP rs199597649, ClinGen allele CA338456.

ClinVar aggregate classification (germline): Conflicting classifications of pathogenicity. Review status: criteria provided, conflicting classifications (1 of 4 stars). 8 submissions from 8 submitters: Uncertain significance (6); Likely benign (1). 1 of the submissions does not count toward it. Last evaluated 2026-07-13.

Conditions:
NDRG1-related disorder. Also called: NDRG1-related condition.
Inborn genetic diseases. Identifiers: MedGen C0950123, MeSH D030342.
Charcot-Marie-Tooth disease. Also called: Charcot-Marie-Tooth Hereditary Neuropathy; Charcot-Marie-Tooth Neuropathy. Identifiers: Orphanet 166, MedGen C0007959, MONDO:0015626.
Charcot-Marie-Tooth disease type 4. Also called: Charcot-Marie-Tooth disease, type IV; Charcot-Marie-Tooth, Type 4. Identifiers: Orphanet 64749, MedGen C4082197, MONDO:0018995.
Charcot-Marie-Tooth disease type 4D. Also called: CHARCOT-MARIE-TOOTH DISEASE, DEMYELINATING, AUTOSOMAL RECESSIVE, TYPE 4D; CHARCOT-MARIE-TOOTH DISEASE, DEMYELINATING, TYPE 4D; NEUROPATHY, HEREDITARY MOTOR AND SENSORY, LOM TYPE; Charcot-Marie-Tooth Neuropathy Type 4D. Identifiers: Orphanet 99950, MedGen C1832334, MONDO:0011085, OMIM 601455.

Allele frequency attached by ClinVar (database versions not stated): gnomAD 0.00019 and 0.00020; 1000 Genomes Project 0.00020; ExAC 0.00025; gnomAD exomes 0.00025 and 0.00045; TOPMed 0.00025; ESP Exome Variant Server 0.00015; 1000 Genomes Project 30x 0.00016.
gnomAD v4.1: 677 of 1,613,492 alleles (0.042%); highest among the groups gnomAD compares: Non-Finnish European, 0.054%; 1 homozygote.

Submissions (10):

PreventionGenetics, part of Exact Sciences
Classification: Uncertain significance for NDRG1-related condition. Last evaluated: 2026-07-13. Review status: criteria provided, single submitter. Criteria: ACMG Guidelines, 2015. Collection method: clinical testing. Allele origin: germline.
Comment: The NDRG1 c.63+6T>C variant is predicted to interfere with splicing. This variant was reported as uncertain in an individual with Charcot-Marie-Tooth disease (Supplementary Table 2, Volodarsky et al. 2021. PubMed ID: 32376792). This variant is reported in 0.049% of alleles in individuals of European (non-Finnish) descent in gnomAD. Although we suspect this variant is benign, at this time, the clinical significance of this variant is uncertain due to the absence of conclusive functional and genetic evidence.

Mayo Clinic Laboratories, Mayo Clinic
Classification: Likely benign. Last evaluated: 2025-05-27. Review status: criteria provided, single submitter. Criteria: ACMG Guidelines, 2015. Collection method: clinical testing. Allele origin: germline. Observed: 1 variant allele.
Comment: BP4, BP7

ARUP Laboratories, Molecular Genetics and Genomics, ARUP Laboratories
Classification: Uncertain significance for Charcot-Marie-Tooth disease type 4D. Last evaluated: 2025-01-10. Review status: criteria provided, single submitter. Criteria: ARUP Molecular Germline Variant Investigation Process 2024. Collection method: clinical testing. Allele origin: germline.
Comment: The NDRG1 c.63+6T>C variant (rs199597649, ClinVar Variation ID: 216637) is reported in the literature in a Charcot-Marie-Tooth disease cohort (Volodarsky 2021). This variant is found in the general population with an overall allele frequency of 0.026% (72/282,732 alleles) in the Genome Aggregation Database (v2.1.1). This is an intronic variant and computational analyses (Alamut Visual Plus v.1.11) predict that this variant may impact splicing by weakening the nearby canonical donor splice site. However, given the limited clinical data and lack of functional data, the significance of this variant is uncertain at this time. References: Volodarsky M et al. Comprehensive genetic sequence and copy number analysis for Charcot-Marie-Tooth disease in a Canadian cohort of 2517 patients. J Med Genet. 2021 Apr;58(4):284-288. PMID: 32376792.

Labcorp Genetics (formerly Invitae), Labcorp
Classification: Uncertain significance for Charcot-Marie-Tooth disease type 4. Last evaluated: 2022-09-02. Review status: criteria provided, single submitter. Criteria: Invitae Variant Classification Sherloc (09022015). Collection method: clinical testing. Allele origin: germline.
Comment: This sequence change falls in intron 2 of the NDRG1 gene. It does not directly change the encoded amino acid sequence of the NDRG1 protein. It affects a nucleotide within the consensus splice site. This variant is present in population databases (rs199597649, gnomAD 0.05%). This variant has been observed in individual(s) with NDRG1-related conditions (PMID: 32376792). ClinVar contains an entry for this variant (Variation ID: 216637). Variants that disrupt the consensus splice site are a relatively common cause of aberrant splicing (PMID: 17576681, 9536098). Algorithms developed to predict the effect of sequence changes on RNA splicing suggest that this variant is not likely to affect RNA splicing. In summary, the available evidence is currently insufficient to determine the role of this variant in disease. Therefore, it has been classified as a Variant of Uncertain Significance.

Ambry Genetics
Classification: Uncertain significance for Inborn genetic diseases. Last evaluated: 2021-12-22. Review status: criteria provided, single submitter. Criteria: Ambry Variant Classification Scheme 2023. Collection method: clinical testing. Allele origin: germline.
Comment: The c.63+6T>C intronic variant results from a T to C substitution 6 nucleotides after coding exon 1 in the NDRG1 gene. This alteration was detected in three patients among a Charcot-Marie-Tooth disease cohort; however, clinical details were limited (Volodarsky M et al. J Med Genet, 2021 04;58:284-288). This nucleotide position is well conserved in available vertebrate species. In silico splice site analysis for this alteration is inconclusive. Since supporting evidence is limited at this time, the clinical significance of this alteration remains unclear.

Illumina Laboratory Services, Illumina
Classification: Uncertain significance for Charcot-Marie-Tooth disease type 4D. Last evaluated: 2018-01-12. Review status: criteria provided, single submitter. Criteria: ICSL Variant Classification Criteria 13 December 2019. Collection method: clinical testing. Allele origin: germline.

Molecular Genetics Laboratory, London Health Sciences Centre
Classification: Uncertain significance for Charcot-Marie-Tooth disease. Review status: criteria provided, single submitter. Criteria: ACMG Guidelines, 2015. Collection method: clinical testing. Allele origin: germline. Affected: yes.

Natera, Inc.
Classification: Uncertain significance for Charcot-Marie-Tooth disease type 4D. Last evaluated: 2019-11-11. Review status: no assertion criteria provided. Collection method: clinical testing. Allele origin: germline. Not counted in ClinVar's aggregate classification.

Dr. Peter K. Rogan Lab, Western University
No classification provided (evidence only). Condition: Lung cancer. Review status: no classification provided. Collection method: in vitro. Allele origin: not applicable. Functional consequence: skipped exon. Not counted in ClinVar's aggregate classification.

Dr. Peter K. Rogan Lab, Western University
No classification provided (evidence only). Condition: Uterine corpus endometrial carcinoma. Review status: no classification provided. Collection method: in vitro. Allele origin: not applicable. Functional consequence: skipped exon. Not counted in ClinVar's aggregate classification.

Literature cited by the submitters: PubMed 32376792 (cited by 3 submitters); PubMed 17576681 (cited by Labcorp Genetics (formerly Invitae), Labcorp); PubMed 9536098 (cited by Labcorp Genetics (formerly Invitae), Labcorp).